The following is an entry in ClinVar:

ClinVar aggregate classification (germline): Uncertain significance (1 of 4 stars; one submission).

Allele frequency attached by ClinVar (database versions not stated): gnomAD exomes below 0.00001.
gnomAD v4.1: 1 of 1,613,084 alleles (0.000062%); highest among the groups gnomAD compares: Non-Finnish European, 0.000085%; no homozygotes.

Submission:

Labcorp Genetics (formerly Invitae), Labcorp
Classification: Uncertain significance. Last evaluated: 2024-10-15. Review status: criteria provided, single submitter. Criteria: Invitae Variant Classification Sherloc (09022015). Collection method: clinical testing. Allele origin: germline.
Comment: This sequence change replaces glycine, which is neutral and non-polar, with alanine, which is neutral and non-polar, at codon 509 of the CLCN2 protein (p.Gly509Ala). This variant is not present in population databases (gnomAD no frequency). This variant has not been reported in the literature in individuals affected with CLCN2-related conditions. ClinVar contains an entry for this variant (Variation ID: 2060865). Invitae Evidence Modeling of protein sequence and biophysical properties (such as structural, functional, and spatial information, amino acid conservation, physicochemical variation, residue mobility, and thermodynamic stability) indicates that this missense variant is not expected to disrupt CLCN2 protein function with a negative predictive value of 80%. In summary, the available evidence is currently insufficient to determine the role of this variant in disease. Therefore, it has been classified as a Variant of Uncertain Significance.

NM_004366.6(CLCN2):c.1526G>C (p.Gly509Ala)

Gene: CLCN2 (chloride voltage-gated channel 2; minus strand). Cytogenetic location: 3q27.1.
Variant type: single nucleotide variant.
Coding change: c.1526G>C on transcript NM_004366.6 (MANE Select); coding-DNA position 1526, G replaced by C.
Protein change: p.Gly509Ala; replaces glycine 509 with alanine.
Molecular consequence: missense variant.
Genome position (GRCh38, 1-based): chr3:184,354,296, C>G on the plus strand (G>C on the coding strand, the complement: CLCN2 is on the minus strand). VCF-style: chr3-184354296-C-G. GRCh37 (hg19) VCF-style: chr3-184072084-C-G.
Other names: c.1475G>C, p.Gly492Ala (NM_001171087.3); c.1394G>C, p.Gly465Ala (NM_001171088.3); c.1526G>C, p.Gly509Ala (NM_001171089.3); short protein forms G492A, G509A, G465A.
Identifiers: ClinVar variation 2060865 (VCV002060865.4), dbSNP rs1728363848, ClinGen allele CA355450096.